The following is an entry in ClinVar:

ClinVar aggregate classification (germline): Pathogenic (1 of 4 stars; one submission).

Submission:

GeneDx
Classification: Pathogenic. Last evaluated: 2024-07-18. Review status: criteria provided, single submitter. Criteria: GeneDx Variant Classification Process June 2021. Collection method: clinical testing. Allele origin: germline. Affected: yes.
Comment: Identified in a patient from a cohort of patients with cerebral palsy, however detailed clinical information was not included. Variant reported as c.556_559del:p.186_187del using alternate nomenclature. (PMID: 33528536); Nonsense variant predicted to result in protein truncation or nonsense mediated decay in a gene for which loss of function is a known mechanism of disease; Not observed at significant frequency in large population cohorts (gnomAD); This variant is associated with the following publications: (PMID: 33528536, 35340043)

NM_001375380.1(EBF3):c.560_563del (p.Phe186_Phe187insTer)

Gene: EBF3 (EBF transcription factor 3; minus strand). Cytogenetic location: 10q26.3.
Variant type: Microsatellite.
Coding change: c.560_563del on transcript NM_001375380.1 (MANE Select); coding-DNA positions 560 to 563, 4 bases deleted (TTCT; older notation c.560_563delTTCT).
Protein change: p.Phe186_Phe187insTer.
Molecular consequence: nonsense.
Genome position (GRCh38, 1-based): chr10:129,877,841-129,877,844, AGAA deleted on the plus strand (TTCT on the coding strand, the reverse complement: EBF3 is on the minus strand); deleting any 4 consecutive bases within chr10:129,877,841-129,877,848 gives the same sequence; the c. name uses the placement nearest the transcript's 3' end. VCF-style (leftmost placement, unchanged base first): chr10-129877840-TAGAA-T. GRCh37 (hg19) VCF-style: chr10-131676104-TAGAA-T.
Other names: c.560_563delTTCT (NM_001005463.2); c.560_563del, p.Phe186_Phe187insTer (NM_001005463.3, NM_001375379.1, NM_001375389.1 and 3 more transcripts).
Identifiers: ClinVar variation 816997 (VCV000816997.5), dbSNP rs1589767433, ClinGen allele CA915948727.